The following is an entry in ClinVar:

ClinVar aggregate classification (germline): Uncertain significance (1 of 4 stars; one submission).

Conditions:
Cardiomyopathy (CMYO). Also called: Cardiomyopathies. Identifiers: Orphanet 167848, MedGen C0878544, MONDO:0004994, HP:0001638. Inheritance: Various modes of inheritance.

Submission:

Color Diagnostics, LLC DBA Color Health
Classification: Uncertain significance for Cardiomyopathy. Last evaluated: 2021-03-16. Review status: criteria provided, single submitter. Criteria: ACMG Guidelines, 2015. Collection method: clinical testing. Allele origin: germline.
Comment: This variant causes a G to C nucleotide substitution at the -1 position of intron 19 of the MYH7 gene. Splice prediction tools suggest that this variant may disrupt RNA splicing. To our knowledge, functional studies have not been reported for this variant. This variant has not been reported in individuals affected with cardiovascular disorders in the literature. This variant has not been identified in the general population by the Genome Aggregation Database (gnomAD). Clinical relevance of loss-of-function MYH7 truncation variants in autosomal dominant cardiovascular disorders is not clearly established. The available evidence is insufficient to determine the role of this variant in disease conclusively. Therefore, this variant is classified as a Variant of Uncertain Significance.

NM_000257.4(MYH7):c.2163-1G>C

Gene: MYH7 (myosin heavy chain 7; minus strand). Cytogenetic location: 14q11.2.
Variant type: single nucleotide variant.
Coding change: c.2163-1G>C on transcript NM_000257.4 (MANE Select); the canonical splice acceptor site of the intron before coding-DNA position 2163, G replaced by C.
Molecular consequence: splice acceptor variant.
Genome position (GRCh38, 1-based): chr14:23,425,819, C>G on the plus strand (G>C on the coding strand, the complement: MYH7 is on the minus strand). VCF-style: chr14-23425819-C-G. GRCh37 (hg19) VCF-style: chr14-23895028-C-G.
Other names: c.2163-1G>C (NM_001407004.1).
Identifiers: ClinVar variation 1332528 (VCV001332528.2), dbSNP rs606231334, ClinGen allele CA389048993.